The following is an entry in ClinVar:

ClinVar aggregate classification (germline): Uncertain significance (1 of 4 stars; one submission).

Conditions:
Brugada syndrome. Also called: Sudden unexpected nocturnal death syndrome; Sudden unexplained nocturnal death syndrome; Sudden Unexplained Death Syndrome; Sudden Unexplained Nocturnal Death Syndrome (SUNDS). Identifiers: Orphanet 130, MedGen C1142166, MONDO:0015263.

gnomAD v4.1: 3 of 1,614,082 alleles (0.00019%); highest among the groups gnomAD compares: Non-Finnish European, 0.00025%; no homozygotes.

Submission:

Labcorp Genetics (formerly Invitae), Labcorp
Classification: Uncertain significance for Brugada syndrome. Last evaluated: 2025-04-13. Review status: criteria provided, single submitter. Criteria: Invitae Variant Classification Sherloc (09022015). Collection method: clinical testing. Allele origin: germline.
Comment: This sequence change replaces isoleucine, which is neutral and non-polar, with threonine, which is neutral and polar, at codon 266 of the KCNJ8 protein (p.Ile266Thr). This variant is present in population databases (no rsID available, gnomAD 0.0009%). This variant has not been reported in the literature in individuals affected with KCNJ8-related conditions. Invitae Evidence Modeling of protein sequence and biophysical properties (such as structural, functional, and spatial information, amino acid conservation, physicochemical variation, residue mobility, and thermodynamic stability) indicates that this missense variant is not expected to disrupt KCNJ8 protein function with a negative predictive value of 80%. In summary, the available evidence is currently insufficient to determine the role of this variant in disease. Therefore, it has been classified as a Variant of Uncertain Significance.

NM_004982.4(KCNJ8):c.797T>C (p.Ile266Thr)

Genes: KCNJ8 (potassium inwardly rectifying channel subfamily J member 8; minus strand), KCNJ8-AS1 (KCNJ8 antisense RNA 1; plus strand). Cytogenetic location: 12p12.1.
Variant type: single nucleotide variant.
Coding change: c.797T>C on transcript NM_004982.4 (MANE Select); coding-DNA position 797, T replaced by C.
Protein change: p.Ile266Thr; replaces isoleucine 266 with threonine.
Molecular consequence: missense variant.
Genome position (GRCh38, 1-based): chr12:21,766,201, A>G on the plus strand (T>C on the coding strand, the complement: KCNJ8 is on the minus strand). VCF-style: chr12-21766201-A-G. GRCh37 (hg19) VCF-style: chr12-21919135-A-G.
Other names: short protein forms I266T.
Identifiers: ClinVar variation 4709151 (VCV004709151.1).